The following is an entry in ClinVar:

ClinVar aggregate classification (germline): Uncertain significance (1 of 4 stars; one submission).

Conditions:
Trichorhinophalangeal syndrome, type III (TRPS3). Also called: SUGIO-KAJII SYNDROME. Identifiers: Orphanet 77258, MedGen C1860823, OMIM 190351, MONDO:0008597.
Trichorhinophalangeal dysplasia type I (TRPS1). Also called: TRPS I; TRICHORHINOPHALANGEAL SYNDROME, TYPE I. Identifiers: Orphanet 77258, MedGen C0432233, MONDO:0008596, OMIM 190350.

gnomAD v4.1: 1 of 1,614,098 alleles (0.000062%); highest among the groups gnomAD compares: Admixed American, 0.0017%; no homozygotes.

Submission:

Labcorp Genetics (formerly Invitae), Labcorp
Classification: Uncertain significance for Trichorhinophalangeal syndrome, type III; Trichorhinophalangeal dysplasia type I. Last evaluated: 2021-09-02. Review status: criteria provided, single submitter. Criteria: Invitae Variant Classification Sherloc (09022015). Collection method: clinical testing. Allele origin: germline.
Comment: In summary, the available evidence is currently insufficient to determine the role of this variant in disease. Therefore, it has been classified as a Variant of Uncertain Significance. Algorithms developed to predict the effect of missense changes on protein structure and function are either unavailable or do not agree on the potential impact of this missense change (SIFT: "Deleterious"; PolyPhen-2: "Benign"; Align-GVGD: "Class C0"). This variant has not been reported in the literature in individuals affected with TRPS1-related conditions. This variant is not present in population databases (ExAC no frequency). This sequence change replaces valine with leucine at codon 553 of the TRPS1 protein (p.Val553Leu). The valine residue is highly conserved and there is a small physicochemical difference between valine and leucine.

NM_014112.5(TRPS1):c.1657G>C (p.Val553Leu)

Gene: TRPS1 (transcriptional repressor GATA binding 1; minus strand). Cytogenetic location: 8q23.3.
Variant type: single nucleotide variant.
Coding change: c.1657G>C on transcript NM_014112.5 (MANE Select); coding-DNA position 1657, G replaced by C.
Protein change: p.Val553Leu; replaces valine 553 with leucine.
Molecular consequence: missense variant.
Genome position (GRCh38, 1-based): chr8:115,604,312, C>G on the plus strand (G>C on the coding strand, the complement: TRPS1 is on the minus strand). VCF-style: chr8-115604312-C-G. GRCh37 (hg19) VCF-style: chr8-116616539-C-G.
Other names: c.1630G>C, p.Val544Leu (NM_001282902.3); c.1636G>C, p.Val546Leu (NM_001282903.3); c.1618G>C, p.Val540Leu (NM_001330599.2); short protein forms V546L, V544L, V553L, V540L.
Identifiers: ClinVar variation 1497366 (VCV001497366.6), dbSNP rs780734185, ClinGen allele CA372066909.